The following is an entry in ClinVar:

NM_001134363.3(RBM20):c.1603G>T (p.Val535Phe)

Gene: RBM20 (RNA binding motif protein 20; plus strand). Cytogenetic location: 10q25.2.
Variant type: single nucleotide variant.
Coding change: c.1603G>T on transcript NM_001134363.3 (MANE Select); coding-DNA position 1603, G replaced by T.
Protein change: p.Val535Phe; replaces valine 535 with phenylalanine.
Molecular consequence: missense variant.
Genome position (GRCh38, 1-based): chr10:110,797,583, G>T. VCF-style: chr10-110797583-G-T. GRCh37 (hg19) VCF-style: chr10-112557341-G-T.
Other names: short protein forms V535F.
Identifiers: ClinVar variation 2449404 (VCV002449404.4), dbSNP rs183007628, ClinGen allele CA378390097.

ClinVar aggregate classification (germline): Uncertain significance. Review status: criteria provided, multiple submitters, no conflicts (2 of 4 stars). 2 submissions from 2 submitters: Uncertain significance (2). Last evaluated 2025-10-02.

Conditions:
Cardiovascular phenotype. Identifiers: MedGen CN230736.

Submissions (2):

Dasa
Classification: Uncertain significance. Last evaluated: 2025-10-02. Review status: criteria provided, single submitter. Criteria: DASA Assertion Criteria. Collection method: clinical testing. Allele origin: germline.
Comment: NM_001134363.3(RBM20):c.1603G>T (p.Val535Phe) is a missense variant that results in the substitution of valine with phenylalanine. This variant is absent from population databases. Computational prediction algorithms are consistent with a deleterious effect. The currently available literature and clinical evidence are not sufficient to establish a definitive association between this variant and the reported condition. Therefore, this variant is classified as a variant of uncertain significance.

Ambry Genetics
Classification: Uncertain significance for Cardiovascular phenotype. Last evaluated: 2023-03-13. Review status: criteria provided, single submitter. Criteria: Ambry Variant Classification Scheme 2023. Collection method: clinical testing. Allele origin: germline.
Comment: The p.V535F variant (also known as c.1603G>T), located in coding exon 6 of the RBM20 gene, results from a G to T substitution at nucleotide position 1603. The valine at codon 535 is replaced by phenylalanine, an amino acid with highly similar properties. This amino acid position is conserved. In addition, this alteration is predicted to be deleterious by in silico analysis. Since supporting evidence is limited at this time, the clinical significance of this alteration remains unclear.